The following is an entry in ClinVar:

NM_003320.5(TUB):c.1A>T (p.Met1Leu)

Gene: TUB (TUB bipartite transcription factor; plus strand). Cytogenetic location: 11p15.4.
Variant type: single nucleotide variant.
Coding change: c.1A>T on transcript NM_003320.5; coding-DNA position 1, A replaced by T.
Protein change: p.Met1Leu; changes the start codon (methionine 1).
Molecular consequence: missense variant, initiator codon variant. On other transcripts: intron variant (4).
Genome position (GRCh38, 1-based): chr11:8,038,874, A>T. VCF-style: chr11-8038874-A-T. GRCh37 (hg19) VCF-style: chr11-8060421-A-T.
Other names: c.56+19516A>T (NM_001440538.1, NM_001440539.1, NM_001440540.1 and 1 more transcripts); short protein forms M1L.
Identifiers: ClinVar variation 2421413 (VCV002421413.34), dbSNP rs1425858617, ClinGen allele CA379565431.

ClinVar aggregate classification (germline): Uncertain significance. Review status: criteria provided, multiple submitters, no conflicts (2 of 4 stars). 3 submissions from 3 submitters: Uncertain significance (3). Last evaluated 2025-01-28.

Conditions:
TUB-related disorder. Also called: TUB-related condition.

Allele frequency attached by ClinVar (database versions not stated): TOPMed below 0.00001; gnomAD exomes 0.00001.

Submissions (3):

PreventionGenetics, part of Exact Sciences
Classification: Uncertain significance for TUB-related condition. Last evaluated: 2025-01-28. Review status: criteria provided, single submitter. Criteria: ACMG Guidelines, 2015. Collection method: clinical testing. Allele origin: germline.
Comment: The TUB c.1A>T variant is predicted to disrupt the translation initiation site (Start loss). To our knowledge, this variant has not been reported in the literature in association with a TUB-related disorder. This variant is reported in 0.012% of alleles in individuals of Latino descent in gnomAD. At this time, the clinical significance of this variant is uncertain due to the absence of conclusive functional and genetic evidence.

Labcorp Genetics (formerly Invitae), Labcorp
Classification: Uncertain significance. Last evaluated: 2022-08-07. Review status: criteria provided, single submitter. Criteria: Invitae Variant Classification Sherloc (09022015). Collection method: clinical testing. Allele origin: germline.
Comment: This sequence change affects the initiator methionine of the TUB mRNA. The next in-frame methionine is located at codon 30. This variant is present in population databases (no rsID available, gnomAD 0.01%). This variant has not been reported in the literature in individuals affected with TUB-related conditions. Experimental studies and prediction algorithms are not available or were not evaluated, and the functional significance of this variant is currently unknown. In summary, the available evidence is currently insufficient to determine the role of this variant in disease. Therefore, it has been classified as a Variant of Uncertain Significance.

Blueprint Genetics
Classification: Uncertain significance. Last evaluated: 2022-07-13. Review status: criteria provided, single submitter. Criteria: ACMG Guidelines, 2015. Collection method: clinical testing. Allele origin: germline.